The following is an entry in ClinVar:

NM_002148.4(HOXD10):c.*234AT[6]AAA[1]

Gene: HOXD10 (homeobox D10; plus strand). Cytogenetic location: 2q31.1.
Variant type: Microsatellite.
Coding change: c.*234AT[6]AAA[1] on transcript NM_002148.4 (MANE Select).
Molecular consequence: 3 prime UTR variant.
Genome position: GRCh38 VCF-style: chr2-176119464-T-TATATATATATATAA. GRCh37 (hg19) VCF-style: chr2-176984192-T-TATATATATATATAA.
Identifiers: ClinVar variation 2651564 (VCV002651564.24), dbSNP rs886055159.

ClinVar aggregate classification (germline): Benign (1 of 4 stars; one submission).

Submission:

CeGaT Center for Human Genetics Tuebingen
Classification: Benign. Last evaluated: 2022-09-01. Review status: criteria provided, single submitter. Criteria: CeGaT Center For Human Genetics Tuebingen Variant Classification Criteria Version 2. Collection method: clinical testing. Allele origin: germline. Affected: yes. Observed: 3 variant alleles.
Comment: HOXD10: BS1, BS2